The following is an entry in ClinVar:

ClinVar aggregate classification (germline): Uncertain significance (1 of 4 stars; one submission).

Submission:

Labcorp Genetics (formerly Invitae), Labcorp
Classification: Uncertain significance. Last evaluated: 2023-08-04. Review status: criteria provided, single submitter. Criteria: Invitae Variant Classification Sherloc (09022015). Collection method: clinical testing. Allele origin: germline.
Comment: In summary, the available evidence is currently insufficient to determine the role of this variant in disease. Therefore, it has been classified as a Variant of Uncertain Significance. Variants that disrupt the consensus splice site are a relatively common cause of aberrant splicing (PMID: 17576681, 9536098). Algorithms developed to predict the effect of sequence changes on RNA splicing suggest that this variant may disrupt the consensus splice site. ClinVar contains an entry for this variant (Variation ID: 1394043). This variant has been observed in individuals with TULP1-related conditions (Invitae). This variant is not present in population databases (gnomAD no frequency). This sequence change falls in intron 2 of the TULP1 gene. It does not directly change the encoded amino acid sequence of the TULP1 protein. It affects a nucleotide within the consensus splice site.

Literature cited by the submitters: PubMed 17576681; PubMed 9536098.

NM_003322.6(TULP1):c.99+3A>G

Gene: TULP1 (TUB like protein 1; minus strand). Cytogenetic location: 6p21.31.
Variant type: single nucleotide variant.
Coding change: c.99+3A>G on transcript NM_003322.6 (MANE Select); 3 bases into the intron after coding-DNA position 99, A replaced by G.
Molecular consequence: intron variant.
Genome position (GRCh38, 1-based): chr6:35,512,636, T>C on the plus strand (A>G on the coding strand, the complement: TULP1 is on the minus strand). VCF-style: chr6-35512636-T-C. GRCh37 (hg19) VCF-style: chr6-35480413-T-C.
Other names: c.99+3A>G (NM_001289395.2).
Identifiers: ClinVar variation 1394043 (VCV001394043.6), dbSNP rs2150929058, ClinGen allele CA2573140333.